The following is an entry in ClinVar:

NM_001273.5(CHD4):c.2713T>C (p.Leu905=)

Gene: CHD4 (chromodomain helicase DNA binding protein 4; minus strand). Cytogenetic location: 12p13.31.
Variant type: single nucleotide variant.
Coding change: c.2713T>C on transcript NM_001273.5 (MANE Select); coding-DNA position 2713, T replaced by C.
Protein change: p.Leu905=; no amino-acid change (leucine 905 retained).
Molecular consequence: synonymous variant.
Genome position (GRCh38, 1-based): chr12:6,592,757, A>G on the plus strand (T>C on the coding strand, the complement: CHD4 is on the minus strand). VCF-style: chr12-6592757-A-G. GRCh37 (hg19) VCF-style: chr12-6701923-A-G.
Other names: c.2692T>C, p.Leu898= (NM_001297553.2); c.2674T>C, p.Leu892= (NM_001363606.2).
Identifiers: ClinVar variation 3047348 (VCV003047348.15), dbSNP rs377736412, ClinGen allele CA6411917.

ClinVar aggregate classification (germline): Likely benign. Review status: criteria provided, single submitter (1 of 4 stars). 2 submissions from 2 submitters: Likely benign (1). 1 of the submissions does not count toward it. Last evaluated 2025-02-01.

Conditions:
CHD4-related disorder. Also called: CHD4-related condition.

Allele frequency attached by ClinVar (database versions not stated): ExAC 0.00004; ESP Exome Variant Server 0.00008; gnomAD exomes 0.00012; gnomAD 0.00001; TOPMed 0.00003.
gnomAD v4.1: 166 of 1,613,986 alleles (0.01%); highest among the groups gnomAD compares: Non-Finnish European, 0.014%; no homozygotes.

Submissions (2):

CeGaT Center for Human Genetics Tuebingen
Classification: Likely benign. Last evaluated: 2025-02-01. Review status: criteria provided, single submitter. Criteria: CeGaT Center For Human Genetics Tuebingen Variant Classification Criteria Version 2. Collection method: clinical testing. Allele origin: germline. Affected: yes. Observed: 1 variant allele.
Comment: CHD4: BP4, BP7

PreventionGenetics, part of Exact Sciences
Classification: Likely benign for CHD4-related condition. Last evaluated: 2019-03-02. Review status: no assertion criteria provided. Collection method: clinical testing. Allele origin: germline. Not counted in ClinVar's aggregate classification.
Comment: This variant is classified as likely benign based on ACMG/AMP sequence variant interpretation guidelines (Richards et al. 2015 PMID: 25741868, with internal and published modifications).